The following is an entry in ClinVar:

ClinVar aggregate classification (germline): Uncertain significance. Review status: criteria provided, multiple submitters, no conflicts (2 of 4 stars). 2 submissions from 2 submitters: Uncertain significance (2). Last evaluated 2026-04-14.

Conditions:
Familial intrahepatic cholestasis. Identifiers: Orphanet 284385, MedGen CN296401, MONDO:0017290.

gnomAD v4.1: 11 of 1,613,708 alleles (0.00068%); highest among the groups gnomAD compares: East Asian, 0.0022%; no homozygotes.

Submissions (2):

Genomenon, Inc
Classification: Uncertain significance for Familial intrahepatic cholestasis. Last evaluated: 2026-04-14. Review status: criteria provided, single submitter. Criteria: Genomenon Sequence Variant Interpretation Standards - Updated. Collection method: curation. Allele origin: germline. Affected: yes.
Comment: ABCB4 p.Arg176Gln (c.527G>A) is a missense variant that changes the amino acid at residue 176 from Arginine to Glutamine. This variant has been observed in at least one proband with an ABCB4-related disorder (PMID:34016879). It is absent or not present at a significant frequency in gnomAD. In silico models predict that this variant is possibly or probably damaging. In conclusion, we classify ABCB4 p.Arg176Gln (c.527G>A) as a variant of uncertain significance.

Women's Health and Genetics/Laboratory Corporation of America, LabCorp
Classification: Uncertain significance. Last evaluated: 2024-05-06. Review status: criteria provided, single submitter. Criteria: LabCorp Variant Classification Summary - May 2015. Collection method: clinical testing. Allele origin: germline.
Comment: Variant summary: ABCB4 c.527G>A (p.Arg176Gln) results in a conservative amino acid change located in the ABC transporter type 1, transmembrane domain (IPR011527) of the encoded protein sequence. Four of five in-silico tools predict a damaging effect of the variant on protein function. The variant allele was found at a frequency of 1.6e-05 in 251274 control chromosomes. The available data on variant occurrences in the general population are insufficient to allow any conclusion about variant significance. c.527G>A has been reported in the literature in at least one individual affected with Familial Intrahepatic Cholestasis (e.g. Hertel, 2021). These report(s) do not provide unequivocal conclusions about association of the variant with Familial Intrahepatic Cholestasis. A different variant affecting the same codon has been classified as pathogenic by our lab (c.526C>T, p.Arg176Trp). To our knowledge, no experimental evidence demonstrating an impact on protein function has been reported. The following publication have been ascertained in the context of this evaluation (PMID: 34016879). No submitters have cited clinical-significance assessments for this variant to ClinVar. Based on the evidence outlined above, the variant was classified as uncertain significance.

Literature cited by the submitters: PubMed 34016879 (cited by Genomenon, Inc and Women's Health and Genetics/Laboratory Corporation of America, LabCorp).

NM_000443.4(ABCB4):c.527G>A (p.Arg176Gln)

Gene: ABCB4 (ATP binding cassette subfamily B member 4; minus strand). Cytogenetic location: 7q21.12.
Variant type: single nucleotide variant.
Coding change: c.527G>A on transcript NM_000443.4 (MANE Select); coding-DNA position 527, G replaced by A.
Protein change: p.Arg176Gln; replaces arginine 176 with glutamine.
Molecular consequence: missense variant.
Genome position (GRCh38, 1-based): chr7:87,452,953, C>T on the plus strand (G>A on the coding strand, the complement: ABCB4 is on the minus strand). VCF-style: chr7-87452953-C-T. GRCh37 (hg19) VCF-style: chr7-87082269-C-T.
Other names: c.527G>A, p.Arg176Gln (NM_018849.3, NM_018850.3); short protein forms R176Q.
Identifiers: ClinVar variation 3336152 (VCV003336152.2).